The following is an entry in ClinVar:

ClinVar aggregate classification (germline): Likely benign. Review status: criteria provided, multiple submitters, no conflicts (2 of 4 stars). 2 submissions from 2 submitters: Likely benign (2). Last evaluated 2024-10-30.

Conditions:
Glycine encephalopathy. Also called: Non-ketotic hyperglycinemia; Nonketotic hyperglycinemia. Identifiers: Orphanet 407, MedGen C0751748, MONDO:0011612, HP:0008288.

Allele frequency attached by ClinVar (database versions not stated): gnomAD exomes below 0.00001 and 0.00004.
gnomAD v4.1: 34 of 1,613,956 alleles (0.0021%); highest among the groups gnomAD compares: Non-Finnish European, 0.0029%; no homozygotes.

Submissions (2):

Labcorp Genetics (formerly Invitae), Labcorp
Classification: Likely benign for Glycine encephalopathy. Last evaluated: 2024-10-30. Review status: criteria provided, single submitter. Criteria: Invitae Variant Classification Sherloc (09022015). Collection method: clinical testing. Allele origin: germline.

CeGaT Center for Human Genetics Tuebingen
Classification: Likely benign. Last evaluated: 2023-10-01. Review status: criteria provided, single submitter. Criteria: CeGaT Center For Human Genetics Tuebingen Variant Classification Criteria Version 2. Collection method: clinical testing. Allele origin: germline. Affected: yes. Observed: 1 variant allele.
Comment: GLDC: BP4, BP7

NM_000170.3(GLDC):c.1311C>T (p.Thr437=)

Gene: GLDC (glycine decarboxylase; minus strand). Cytogenetic location: 9p24.1.
Variant type: single nucleotide variant.
Coding change: c.1311C>T on transcript NM_000170.3 (MANE Select); coding-DNA position 1311, C replaced by T.
Protein change: p.Thr437=; no amino-acid change (threonine 437 retained).
Molecular consequence: synonymous variant.
Genome position (GRCh38, 1-based): chr9:6,592,941, G>A on the plus strand (C>T on the coding strand, the complement: GLDC is on the minus strand). VCF-style: chr9-6592941-G-A. GRCh37 (hg19) VCF-style: chr9-6592941-G-A.
Identifiers: ClinVar variation 751355 (VCV000751355.33), dbSNP rs1317859936, ClinGen allele CA463595179.